The following is an entry in ClinVar:

NM_015662.3(IFT172):c.4944G>C (p.Trp1648Cys)

Genes: IFT172 (intraflagellar transport 172; minus strand), KRTCAP3 (keratinocyte associated protein 3; plus strand). Cytogenetic location: 2p23.3.
Variant type: single nucleotide variant.
Coding change: c.4944G>C on transcript NM_015662.3 (MANE Select); coding-DNA position 4944, G replaced by C.
Protein change: p.Trp1648Cys; replaces tryptophan 1648 with cysteine.
Molecular consequence: missense variant. On other transcripts: intron variant (1).
Genome position (GRCh38, 1-based): chr2:27,445,420, C>G on the plus strand (G>C on the coding strand, the complement: IFT172 is on the minus strand). VCF-style: chr2-27445420-C-G. GRCh37 (hg19) VCF-style: chr2-27668287-C-G.
Other names: c.4878G>C, p.Trp1626Cys (NM_001410739.1); c.*6-881C>G (NM_001168364.2); short protein forms W1648C, W1626C.
Identifiers: ClinVar variation 1011298 (VCV001011298.10), dbSNP rs1664978966, ClinGen allele CA346414059.

ClinVar aggregate classification (germline): Uncertain significance. Review status: criteria provided, multiple submitters, no conflicts (2 of 4 stars). 2 submissions from 2 submitters: Uncertain significance (2). Last evaluated 2025-10-07.

Conditions:
Short-rib thoracic dysplasia 10 with or without polydactyly (SRTD10). Identifiers: Orphanet 474, MedGen C3810175, MONDO:0014284, OMIM 615630.
Retinitis pigmentosa 71 (RP71). Identifiers: Orphanet 791, MedGen C4225342, MONDO:0014618, OMIM 616394.
Inborn genetic diseases. Identifiers: MedGen C0950123, MeSH D030342.

Allele frequency attached by ClinVar (database versions not stated): gnomAD exomes below 0.00001.
gnomAD v4.1: 2 of 1,611,842 alleles (0.00012%); highest among the groups gnomAD compares: Middle Eastern, 0.017%; no homozygotes.

Submissions (2):

Ambry Genetics
Classification: Uncertain significance for Inborn genetic diseases. Last evaluated: 2025-10-07. Review status: criteria provided, single submitter. Criteria: Ambry Variant Classification Scheme 2023. Collection method: clinical testing. Allele origin: germline.

Labcorp Genetics (formerly Invitae), Labcorp
Classification: Uncertain significance for Retinitis pigmentosa 71; Short-rib thoracic dysplasia 10 with or without polydactyly. Last evaluated: 2020-08-27. Review status: criteria provided, single submitter. Criteria: Invitae Variant Classification Sherloc (09022015). Collection method: clinical testing. Allele origin: germline.
Comment: This sequence change replaces tryptophan with cysteine at codon 1648 of the IFT172 protein (p.Trp1648Cys). The tryptophan residue is highly conserved and there is a large physicochemical difference between tryptophan and cysteine. This variant is not present in population databases (ExAC no frequency). This variant has not been reported in the literature in individuals with IFT172-related conditions. Algorithms developed to predict the effect of missense changes on protein structure and function are either unavailable or do not agree on the potential impact of this missense change (SIFT: "Deleterious"; PolyPhen-2: "Probably Damaging"; Align-GVGD: "Class C0"). In summary, the available evidence is currently insufficient to determine the role of this variant in disease. Therefore, it has been classified as a Variant of Uncertain Significance.